The following is an entry in ClinVar:

ClinVar aggregate classification (germline): Uncertain significance. Review status: criteria provided, multiple submitters, no conflicts (2 of 4 stars). 2 submissions from 2 submitters: Uncertain significance (2). Last evaluated 2024-04-16.

Conditions:
RASopathy. Also called: rasopathies; Noonan spectrum disorder. Identifiers: Orphanet 536391, MedGen C5555857, MONDO:0021060.
Cardiovascular phenotype. Identifiers: MedGen CN230736.

Submissions (2):

Labcorp Genetics (formerly Invitae), Labcorp
Classification: Uncertain significance for RASopathy. Last evaluated: 2024-04-16. Review status: criteria provided, single submitter. Criteria: Invitae Variant Classification Sherloc (09022015). Collection method: clinical testing. Allele origin: germline.
Comment: This sequence change replaces valine, which is neutral and non-polar, with leucine, which is neutral and non-polar, at codon 312 of the RAF1 protein (p.Val312Leu). This variant is not present in population databases (gnomAD no frequency). This variant has not been reported in the literature in individuals affected with RAF1-related conditions. ClinVar contains an entry for this variant (Variation ID: 1766660). Advanced modeling of protein sequence and biophysical properties (such as structural, functional, and spatial information, amino acid conservation, physicochemical variation, residue mobility, and thermodynamic stability) performed at Invitae indicates that this missense variant is not expected to disrupt RAF1 protein function with a negative predictive value of 95%. In summary, the available evidence is currently insufficient to determine the role of this variant in disease. Therefore, it has been classified as a Variant of Uncertain Significance.

Ambry Genetics
Classification: Uncertain significance for Cardiovascular phenotype. Last evaluated: 2021-03-23. Review status: criteria provided, single submitter. Criteria: Ambry Variant Classification Scheme 2023. Collection method: clinical testing. Allele origin: germline.
Comment: The p.V312L variant (also known as c.934G>T), located in coding exon 8 of the RAF1 gene, results from a G to T substitution at nucleotide position 934. The valine at codon 312 is replaced by leucine, an amino acid with highly similar properties. This amino acid position is not well conserved in available vertebrate species. In addition, this alteration is predicted to be tolerated by in silico analysis. Since supporting evidence is limited at this time, the clinical significance of this alteration remains unclear.

NM_002880.4(RAF1):c.934G>T (p.Val312Leu)

Gene: RAF1 (Raf-1 proto-oncogene, serine/threonine kinase; minus strand). Cytogenetic location: 3p25.2.
Variant type: single nucleotide variant.
Coding change: c.934G>T on transcript NM_002880.4 (MANE Select); coding-DNA position 934, G replaced by T.
Protein change: p.Val312Leu; replaces valine 312 with leucine.
Molecular consequence: missense variant. On other transcripts: non-coding transcript variant (3).
Genome position (GRCh38, 1-based): chr3:12,600,208, C>A on the plus strand (G>T on the coding strand, the complement: RAF1 is on the minus strand). VCF-style: chr3-12600208-C-A. GRCh37 (hg19) VCF-style: chr3-12641707-C-A.
Other names: c.994G>T, p.Val332Leu (NM_001354689.3); c.934G>T, p.Val312Leu (NM_001354690.3); c.691G>T, p.Val231Leu (NM_001354691.3, NM_001354692.3); c.835G>T, p.Val279Leu (NM_001354693.3); c.751G>T, p.Val251Leu (NM_001354694.3); c.592G>T, p.Val198Leu (NM_001354695.3); short protein forms V312L, V332L, V231L, V198L, V251L, V279L.
Identifiers: ClinVar variation 1766660 (VCV001766660.4), dbSNP rs555034652, ClinGen allele CA351508735.